The following is an entry in ClinVar:

ClinVar aggregate classification (germline): Likely benign. Review status: reviewed by expert panel (3 of 4 stars). 14 submissions from 14 submitters: Likely benign (1). 13 of the submissions do not count toward it. Last evaluated 2017-06-29.

Conditions:
Hereditary cancer-predisposing syndrome. Also called: Tumor predisposition; Hereditary Cancer Syndrome; Hereditary neoplastic syndrome; Neoplastic Syndromes, Hereditary. Identifiers: Orphanet 140162, MedGen C0027672, MeSH D009386, MONDO:0015356.
Hereditary breast ovarian cancer syndrome. Also called: Breast and ovarian cancer; Hereditary breast and ovarian cancer syndrome; Hereditary breast and ovarian cancer; BRCA1- and BRCA2-Associated Hereditary Breast and Ovarian Cancer; Hereditary breast and ovarian cancer syndrome (HBOC); Hereditary breast and/or ovarian cancer syndrome. Identifiers: Orphanet 145, MedGen C0677776, MeSH D061325, MONDO:0003582. Disease mechanism: loss of function.
Breast-ovarian cancer, familial, susceptibility to, 2 (BROVCA2). Also called: BRCA2 Hereditary Breast and Ovarian Cancer. Identifiers: Orphanet 145, MedGen C2675520, MONDO:0012933, OMIM 612555. Disease mechanism: loss of function.
Malignant tumor of breast. Also called: Cancer breast; Malignant breast neoplasm. Identifiers: MedGen C0006142, MONDO:0007254. Disease mechanism: loss of function.

Allele frequency attached by ClinVar (database versions not stated): TOPMed 0.00001; ExAC 0.00002.
gnomAD v4.1: 21 of 1,589,436 alleles (0.0013%); highest among the groups gnomAD compares: Non-Finnish European, 0.0018%; no homozygotes.

Submissions (14):

Evidence-based Network for the Interpretation of Germline Mutant Alleles (ENIGMA)
Classification: Likely benign for Breast-ovarian cancer, familial, susceptibility to, 2. Last evaluated: 2017-06-29. Review status: reviewed by expert panel. Criteria: ENIGMA BRCA1/2 Classification Criteria (2017-06-29). Collection method: curation. Allele origin: germline.
Comment: Synonymous substitution variant, with low bioinformatic likelihood to result in a splicing aberration (Splicing prior probability 0.02).

Labcorp Genetics (formerly Invitae), Labcorp
Classification: Likely benign for Hereditary breast ovarian cancer syndrome. Last evaluated: 2025-12-21. Review status: criteria provided, single submitter. Criteria: Invitae Variant Classification Sherloc (09022015). Collection method: clinical testing. Allele origin: germline. Not counted in ClinVar's aggregate classification.

Quest Diagnostics Nichols Institute San Juan Capistrano
Classification: Likely benign. Last evaluated: 2025-06-13. Review status: criteria provided, single submitter. Criteria: Quest Diagnostics criteria. Collection method: clinical testing. Allele origin: unknown. Not counted in ClinVar's aggregate classification.

ARUP Laboratories, Molecular Genetics and Genomics, ARUP Laboratories
Classification: Likely benign. Last evaluated: 2024-03-18. Review status: criteria provided, single submitter. Criteria: ARUP Molecular Germline Variant Investigation Process 2024. Collection method: clinical testing. Allele origin: germline. Not counted in ClinVar's aggregate classification.

All of Us Research Program, National Institutes of Health
Classification: Likely benign for Breast-ovarian cancer, familial, susceptibility to, 2. Last evaluated: 2023-07-10. Review status: criteria provided, single submitter. Criteria: ACMG Guidelines, 2015. Collection method: clinical testing. Allele origin: germline. Inheritance: Autosomal dominant inheritance. Observed: 2 variant alleles, 2 heterozygotes. Not counted in ClinVar's aggregate classification.
Comment: This study involves interpretation of variants in research participants for the purpose of population health screening. Participant phenotype was not available at the time of variant classification. Additional details can be found in publication PMID: 35346344, PMCID: PMC8962531

Women's Health and Genetics/Laboratory Corporation of America, LabCorp
Classification: Likely benign. Last evaluated: 2020-01-14. Review status: criteria provided, single submitter. Criteria: LabCorp Variant Classification Summary - May 2015. Collection method: clinical testing. Allele origin: germline. Not counted in ClinVar's aggregate classification.

GeneDx
Classification: Likely benign. Last evaluated: 2018-01-04. Review status: criteria provided, single submitter. Criteria: GeneDx Variant Classification (06012015). Collection method: clinical testing. Allele origin: germline. Affected: yes. Not counted in ClinVar's aggregate classification.
Comment: This variant is considered likely benign or benign based on one or more of the following criteria: it is a conservative change, it occurs at a poorly conserved position in the protein, it is predicted to be benign by multiple in silico algorithms, and/or has population frequency not consistent with disease.

Clinical Genetics DNA and cytogenetics Diagnostics Lab, Erasmus MC, Erasmus Medical Center
Classification: Benign for Breast-ovarian cancer, familial, susceptibility to, 2. Last evaluated: 2017-06-28. Review status: criteria provided, single submitter. Criteria: ACGS Guidelines, 2013. Collection method: clinical testing. Allele origin: germline. Affected: yes. Study: VKGL Data-share Consensus. Not counted in ClinVar's aggregate classification.

Color Diagnostics, LLC DBA Color Health
Classification: Likely benign for Hereditary cancer-predisposing syndrome. Last evaluated: 2016-04-26. Review status: criteria provided, single submitter. Criteria: ACMG Guidelines, 2015. Collection method: clinical testing. Allele origin: germline. Not counted in ClinVar's aggregate classification.

Ambry Genetics
Classification: Likely benign for Hereditary cancer-predisposing syndrome. Last evaluated: 2014-11-25. Review status: criteria provided, single submitter. Criteria: Ambry Variant Classification Scheme 2023. Collection method: clinical testing. Allele origin: germline. Not counted in ClinVar's aggregate classification.

Counsyl
Classification: Likely benign for Breast-ovarian cancer, familial, susceptibility to, 2. Last evaluated: 2018-01-10. Review status: no assertion criteria provided. Collection method: clinical testing. Allele origin: unknown. Not counted in ClinVar's aggregate classification.

Clinical Genetics Laboratory, Department of Pathology, Netherlands Cancer Institute
Classification: Likely benign. Review status: no assertion criteria provided. Collection method: clinical testing. Allele origin: germline. Affected: yes. Study: VKGL Data-share Consensus. Not counted in ClinVar's aggregate classification.

Department of Pathology and Laboratory Medicine, Sinai Health System
Classification: Likely benign for Malignant tumor of breast. Review status: no assertion criteria provided. Collection method: clinical testing. Allele origin: unknown. Affected: yes. Observed: 1 variant allele. Study: The Canadian Open Genetics Repository (COGR). Not counted in ClinVar's aggregate classification.
Comment: The p.Leu2155Leu variant was not identified in the literature, nor was it identified in the dbSNP, NHLBI Exome Sequencing Project (Exome Variant Server), LOVD, COSMIC, Clinvitae, ARUP Laboratories BRCA Mutations Database, GeneInsight COGR, or BIC. This variant was identified in BRCA Share classified as unknown, and in ClinVar classified as likely benign. The variant was identified in the Exome Aggregation Consortium (ExAC) database (released Jan 13, 2015) in 2 of 65760 chromosomes (frequency: 0.00002) from a European (Non-Finnish) population. The p.Leu2155Leu variant is not expected to have clinical significance because it does not result in a change of amino acid and is not located in a known consensus splice site. In addition, in silico or computational prediction software programs (SpliceSiteFinder, MaxEntScan, NNSPLICE, GeneSplicer, HumanSpliceFinder) do not predict a difference in splicing. In summary, based on the above information, the clinical significance of this variant cannot be determined with certainty at this time although we would lean towards a more benign role for this variant. This variant is classified as predicted benign.

Joint Genome Diagnostic Labs from Nijmegen and Maastricht, Radboudumc and MUMC+
Classification: Likely benign. Review status: no assertion criteria provided. Collection method: clinical testing. Allele origin: germline. Affected: yes. Study: VKGL Data-share Consensus. Not counted in ClinVar's aggregate classification.

Literature cited by the submitters: PubMed 20104584 (cited by 3 submitters).

NM_000059.4(BRCA2):c.6465C>T (p.Leu2155=)

Gene: BRCA2 (BRCA2 DNA repair associated; plus strand). Cytogenetic location: 13q13.1.
Variant type: single nucleotide variant.
Coding change: c.6465C>T on transcript NM_000059.4 (MANE Select); coding-DNA position 6465, C replaced by T.
Protein change: p.Leu2155=; no amino-acid change (leucine 2155 retained).
Molecular consequence: synonymous variant.
Genome position (GRCh38, 1-based): chr13:32,340,820, C>T. VCF-style: chr13-32340820-C-T. GRCh37 (hg19) VCF-style: chr13-32914957-C-T.
Identifiers: ClinVar variation 184876 (VCV000184876.33), dbSNP rs746099644, ClinGen allele CA024083.